The following is an entry in ClinVar:

ClinVar aggregate classification (germline): Uncertain significance. Review status: criteria provided, single submitter (1 of 4 stars). 2 submissions from 2 submitters: Uncertain significance (1). 1 of the submissions does not count toward it. Last evaluated 2025-11-17.

Conditions:
Proline dehydrogenase deficiency (HYRPRO1). Also called: Hyperprolinemia type 1; PROLINE OXIDASE DEFICIENCY. Identifiers: Orphanet 419, MedGen C0268529, MONDO:0009400, OMIM 239500.

Submissions (2):

Labcorp Genetics (formerly Invitae), Labcorp
Classification: Uncertain significance for Proline dehydrogenase deficiency. Last evaluated: 2025-11-17. Review status: criteria provided, single submitter. Criteria: Invitae Variant Classification Sherloc (09022015). Collection method: clinical testing. Allele origin: germline.
Comment: This sequence change replaces methionine, which is neutral and non-polar, with valine, which is neutral and non-polar, at codon 312 of the PRODH protein (p.Met312Val). Information on the frequency of this variant in the gnomAD database is not available, as this variant may be reported differently in the database. This variant has not been reported in the literature in individuals affected with PRODH-related conditions. ClinVar contains an entry for this variant (Variation ID: 591578). Experimental studies and prediction algorithms are not available or were not evaluated, and the functional significance of this variant is currently unknown. In summary, the available evidence is currently insufficient to determine the role of this variant in disease. Therefore, it has been classified as a Variant of Uncertain Significance.

Gharavi Laboratory, Columbia University
Classification: Uncertain significance. Last evaluated: 2018-09-16. Review status: no assertion criteria provided. Criteria: ACMG Guidelines, 2015. Collection method: research. Allele origin: germline. Affected: yes. Not counted in ClinVar's aggregate classification.

NM_016335.6(PRODH):c.933_934inv (p.Met312Val)

Gene: PRODH (proline dehydrogenase 1; minus strand). Cytogenetic location: 22q11.21.
Variant type: Inversion.
Coding change: c.933_934inv on transcript NM_016335.6 (MANE Select).
Protein change: p.Met312Val; replaces methionine 312 with valine.
Molecular consequence: missense variant.
Genome position: GRCh38 VCF-style: chr22-18921419-TG-CA. GRCh37 (hg19) VCF-style: chr22-18908932-TG-CA.
Other names: c.609_610inv, p.Met204Val (NM_001195226.2); short protein forms M204V, M312V.
Identifiers: ClinVar variation 591578 (VCV000591578.4), ClinGen allele CA891863080.